The following is an entry in ClinVar:

NM_001369369.1(FOXN1):c.1438G>A (p.Glu480Lys)

Gene: FOXN1 (forkhead box N1; plus strand). Cytogenetic location: 17q11.2.
Variant type: single nucleotide variant.
Coding change: c.1438G>A on transcript NM_001369369.1 (MANE Select); coding-DNA position 1438, G replaced by A.
Protein change: p.Glu480Lys; replaces glutamic acid 480 with lysine.
Molecular consequence: missense variant.
Genome position (GRCh38, 1-based): chr17:28,535,009, G>A. VCF-style: chr17-28535009-G-A. GRCh37 (hg19) VCF-style: chr17-26862027-G-A.
Other names: c.1438G>A, p.Glu480Lys (NM_003593.3); short protein forms E480K.
Identifiers: ClinVar variation 2890357 (VCV002890357.3), dbSNP rs1198301349, ClinGen allele CA398326444.

ClinVar aggregate classification (germline): Uncertain significance (1 of 4 stars; one submission).

Conditions:
T-cell immunodeficiency, congenital alopecia, and nail dystrophy. Also called: Congenital alopecia and nail dystrophy associated with severe functional T-cell immunodeficiency; Pignata Guarino syndrome. Identifiers: Orphanet 169095, MedGen C1866426, MONDO:0011132, OMIM 601705.

Allele frequency attached by ClinVar (database versions not stated): gnomAD exomes 0.00001.
gnomAD v4.1: 3 of 1,613,808 alleles (0.00019%); highest among the groups gnomAD compares: Admixed American, 0.0033%; no homozygotes.

Submission:

Labcorp Genetics (formerly Invitae), Labcorp
Classification: Uncertain significance for T-cell immunodeficiency, congenital alopecia, and nail dystrophy. Last evaluated: 2023-10-20. Review status: criteria provided, single submitter. Criteria: Invitae Variant Classification Sherloc (09022015). Collection method: clinical testing. Allele origin: germline.
Comment: This sequence change replaces glutamic acid, which is acidic and polar, with lysine, which is basic and polar, at codon 480 of the FOXN1 protein (p.Glu480Lys). This variant is present in population databases (no rsID available, gnomAD 0.007%). This variant has not been reported in the literature in individuals affected with FOXN1-related conditions. Advanced modeling of protein sequence and biophysical properties (such as structural, functional, and spatial information, amino acid conservation, physicochemical variation, residue mobility, and thermodynamic stability) performed at Invitae indicates that this missense variant is not expected to disrupt FOXN1 protein function. In summary, the available evidence is currently insufficient to determine the role of this variant in disease. Therefore, it has been classified as a Variant of Uncertain Significance.